The following is an entry in ClinVar:

NM_001401501.2(MUC16):c.25305A>T (p.Ile8435=)

Gene: MUC16 (mucin 16, cell surface associated; minus strand). Cytogenetic location: 19p13.2.
Variant type: single nucleotide variant.
Coding change: c.25305A>T on transcript NM_001401501.2 (MANE Select); coding-DNA position 25305, A replaced by T.
Protein change: p.Ile8435=; no amino-acid change (isoleucine 8435 retained).
Molecular consequence: synonymous variant.
Genome position (GRCh38, 1-based): chr19:8,951,585, T>A on the plus strand (A>T on the coding strand, the complement: MUC16 is on the minus strand). VCF-style: chr19-8951585-T-A. GRCh37 (hg19) VCF-style: chr19-9062261-T-A.
Other names: c.25731A>T, p.Ile8577= (NM_001414686.1); c.25185A>T, p.Ile8395= (NM_001414687.1, NM_024690.2).
Identifiers: ClinVar variation 2649242 (VCV002649242.24), dbSNP rs370317471, ClinGen allele CA9168232.
Genomic context (GRCh38, chr19:8,951,585, plus strand): 5'-AGTCAGGGAGGATGTTGGTTCTATCTGAATTCTGCTGGTCTCAAAGAAGTCAGAAGTGGA[T>A]ATGGAAACACTCGTTTCCCCCATGGTGTAGGTGGTACCCATTGGAGATGTGGCTTTGGGT-3'
Protein context (NP_001388430.1, residues 8425-8445): TYTMGETSVS[Ile8435=]STSDFFETSR

ClinVar aggregate classification (germline): Likely benign (1 of 4 stars; one submission).

Allele frequency attached by ClinVar (database versions not stated): TOPMed 0.00006; ESP Exome Variant Server 0.00008; gnomAD 0.00021; gnomAD exomes 0.00031; ExAC 0.00086; 1000 Genomes Project 30x 0.00234; 1000 Genomes Project 0.00280.

Submission:

CeGaT Center for Human Genetics Tuebingen
Classification: Likely benign. Last evaluated: 2022-07-01. Review status: criteria provided, single submitter. Criteria: CeGaT Center For Human Genetics Tuebingen Variant Classification Criteria Version 2. Collection method: clinical testing. Allele origin: germline. Affected: yes. Observed: 1 variant allele.
Comment: MUC16: BP4, BP7